The following is an entry in ClinVar:

ClinVar aggregate classification (germline): Conflicting classifications of pathogenicity. Review status: criteria provided, conflicting classifications (1 of 4 stars). 6 submissions from 6 submitters: Pathogenic (2); Likely pathogenic (1); Uncertain significance (1). 2 of the submissions do not count toward it. Last evaluated 2024-08-09.

Conditions:
TMPRSS3-related disorder. Also called: TMPRSS3-related condition.
Autosomal recessive nonsyndromic hearing loss 8 (DFNB8). Also called: Deafness, autosomal recessive 10; NEUROSENSORY NONSYNDROMIC RECESSIVE DEAFNESS 8. Identifiers: Orphanet 90636, MedGen C1832827, MONDO:0010987, OMIM 601072.

Allele frequency attached by ClinVar (database versions not stated): gnomAD exomes below 0.00001 and 0.00002; ExAC 0.00001; TOPMed 0.00002; gnomAD 0.00003 and 0.00004.
gnomAD v4.1: 30 of 1,613,954 alleles (0.0019%); highest among the groups gnomAD compares: African/African-American, 0.0053%; no homozygotes.

Submissions (6):

Blueprint Genetics
Classification: Pathogenic for TMPRSS3-related disorders. Last evaluated: 2024-08-09. Review status: criteria provided, single submitter. Criteria: ACMG Guidelines, 2015. Collection method: clinical testing. Allele origin: germline. Affected: yes. Observed: 5 variant alleles.

Labcorp Genetics (formerly Invitae), Labcorp
Classification: Pathogenic. Last evaluated: 2024-02-06. Review status: criteria provided, single submitter. Criteria: Invitae Variant Classification Sherloc (09022015). Collection method: clinical testing. Allele origin: germline.
Comment: This sequence change replaces valine, which is neutral and non-polar, with methionine, which is neutral and non-polar, at codon 199 of the TMPRSS3 protein (p.Val199Met). This variant is present in population databases (rs772040483, gnomAD 0.008%). This missense change has been observed in individual(s) with deafness (PMID: 21786053). In at least one individual the data is consistent with being in trans (on the opposite chromosome) from a pathogenic variant. ClinVar contains an entry for this variant (Variation ID: 1164000). Advanced modeling of protein sequence and biophysical properties (such as structural, functional, and spatial information, amino acid conservation, physicochemical variation, residue mobility, and thermodynamic stability) has been performed at Invitae for this missense variant, however the output from this modeling did not meet the statistical confidence thresholds required to predict the impact of this variant on TMPRSS3 protein function. For these reasons, this variant has been classified as Pathogenic.

Genome-Nilou Lab
Classification: Likely pathogenic for Autosomal recessive nonsyndromic hearing loss 8. Last evaluated: 2021-06-09. Review status: criteria provided, single submitter. Criteria: ACMG Guidelines, 2015. Collection method: clinical testing. Allele origin: germline. Inheritance: Autosomal recessive inheritance. Affected: yes. Observed: 1 variant allele, 1 homozygote.

GeneDx
Classification: Uncertain significance. Last evaluated: 2020-11-16. Review status: criteria provided, single submitter. Criteria: GeneDx Variant Classification Process June 2021. Collection method: clinical testing. Allele origin: germline. Affected: yes.
Comment: In silico analysis supports that this missense variant does not alter protein structure/function; This variant is associated with the following publications: (PMID: 21786053, 28695016, 25474651, 28246597)

Clinical Genetics DNA and cytogenetics Diagnostics Lab, Erasmus MC, Erasmus Medical Center
Classification: Pathogenic. Review status: no assertion criteria provided. Collection method: clinical testing. Allele origin: germline. Affected: yes. Study: VKGL Data-share Consensus. Not counted in ClinVar's aggregate classification.

Joint Genome Diagnostic Labs from Nijmegen and Maastricht, Radboudumc and MUMC+
Classification: Likely pathogenic. Review status: no assertion criteria provided. Collection method: clinical testing. Allele origin: germline. Affected: yes. Study: VKGL Data-share Consensus. Not counted in ClinVar's aggregate classification.

Literature cited by the submitters: PubMed 21786053 (cited by Labcorp Genetics (formerly Invitae), Labcorp).

NM_001256317.3(TMPRSS3):c.595G>A (p.Val199Met)

Gene: TMPRSS3 (transmembrane serine protease 3; minus strand). Cytogenetic location: 21q22.3.
Variant type: single nucleotide variant.
Coding change: c.595G>A on transcript NM_001256317.3 (MANE Select); coding-DNA position 595, G replaced by A.
Protein change: p.Val199Met; replaces valine 199 with methionine.
Molecular consequence: missense variant.
Genome position (GRCh38, 1-based): chr21:42,383,991, C>T on the plus strand (G>A on the coding strand, the complement: TMPRSS3 is on the minus strand). VCF-style: chr21-42383991-C-T. GRCh37 (hg19) VCF-style: chr21-43804100-C-T.
Other names: c.595G>A, p.Val199Met (NM_024022.4, NM_032405.2); c.214G>A, p.Val72Met (NM_032404.3); short protein forms V199M, V72M.
Identifiers: ClinVar variation 1164000 (VCV001164000.12), dbSNP rs772040483, ClinGen allele CA10042571.
Genomic context (GRCh38, chr21:42,383,991, plus strand): 5'-CTTGCTCCCCCTGGACCCCTGCCTTTCTGGAACTCTTACCTGTGCACTGCAAGGTAACCA[C>T]GTGGCCAGAGGCACATCCCTCCCTAAAGCGGAGAAAAAGTAGGCTCTGTGAAAAATGCCC-3'
Protein context (NP_001243246.1, residues 189-209): YVREGCASGH[Val199Met]VTLQCTACGH